The following is an entry in ClinVar:

NM_001126108.2(SLC12A3):c.2711G>A (p.Arg904Gln)

Gene: SLC12A3 (solute carrier family 12 member 3; plus strand). Cytogenetic location: 16q13.
Variant type: single nucleotide variant.
Coding change: c.2711G>A on transcript NM_001126108.2 (MANE Select); coding-DNA position 2711, G replaced by A.
Protein change: p.Arg904Gln; replaces arginine 904 with glutamine.
Molecular consequence: missense variant.
Genome position (GRCh38, 1-based): chr16:56,899,607, G>A. VCF-style: chr16-56899607-G-A. GRCh37 (hg19) VCF-style: chr16-56933519-G-A.
Other names: c.2738G>A, p.Arg913Gln (NM_000339.3); c.2735G>A, p.Arg912Gln (NM_001126107.2); short protein forms R913Q, R904Q, R912Q.
Identifiers: ClinVar variation 255888 (VCV000255888.25), dbSNP rs11643718, ClinGen allele CA8070022.

ClinVar aggregate classification (germline): Benign/Likely benign. Review status: criteria provided, multiple submitters, no conflicts (2 of 4 stars). 13 submissions from 13 submitters: Benign (9); Likely benign (1). 3 of the submissions do not count toward it. Last evaluated 2026-03-23.

Conditions:
Familial hypokalemia-hypomagnesemia (GTLMNS). Also called: gitelman syndrome; HYPOMAGNESEMIA-HYPOKALEMIA, PRIMARY RENOTUBULAR, WITH HYPOCALCIURIA; POTASSIUM AND MAGNESIUM DEPLETION. Identifiers: Orphanet 358, MedGen C0268450, MONDO:0009904, OMIM 263800.

Allele frequency attached by ClinVar (database versions not stated): ESP Exome Variant Server 0.07610; 1000 Genomes Project 0.07987; 1000 Genomes Project 30x 0.08151; gnomAD 0.08381 and 0.08543; TOPMed 0.08498; ExAC 0.10358; gnomAD exomes 0.10656 and 0.10865.
gnomAD v4.1: 168,239 of 1,612,514 alleles (10%); highest among the groups gnomAD compares: Admixed American, 16%; 9,371 homozygotes.

Submissions (13):

Women's Health and Genetics/Laboratory Corporation of America, LabCorp
Classification: Likely benign. Last evaluated: 2026-03-23. Review status: criteria provided, single submitter. Criteria: LabCorp Variant Classification Summary - May 2015. Collection method: clinical testing. Allele origin: germline.

Labcorp Genetics (formerly Invitae), Labcorp
Classification: Benign. Last evaluated: 2026-02-04. Review status: criteria provided, single submitter. Criteria: Invitae Variant Classification Sherloc (09022015). Collection method: clinical testing. Allele origin: germline.

Blueprint Genetics
Classification: Benign. Last evaluated: 2024-11-27. Review status: criteria provided, single submitter. Criteria: ACMG Guidelines, 2015. Collection method: clinical testing. Allele origin: germline.

Mayo Clinic Laboratories, Mayo Clinic
Classification: Benign. Last evaluated: 2023-01-13. Review status: criteria provided, single submitter. Criteria: ACMG Guidelines, 2015. Collection method: clinical testing. Allele origin: germline. Observed: 36 variant alleles.
Comment: BA1, BS2, BP4

Genome-Nilou Lab
Classification: Benign for Familial hypokalemia-hypomagnesemia. Last evaluated: 2021-07-10. Review status: criteria provided, single submitter. Criteria: ACMG Guidelines, 2015. Collection method: clinical testing. Allele origin: germline. Affected: no.

GeneDx
Classification: Benign. Last evaluated: 2020-06-09. Review status: criteria provided, single submitter. Criteria: GeneDx Variant Classification Process June 2021. Collection method: clinical testing. Allele origin: germline. Affected: yes.
Comment: This variant is associated with the following publications: (PMID: 25401745, 24776766, 15480096, 9734597, 10988270, 28008009, 28744814, 32292023, 31398183)

Illumina Laboratory Services, Illumina
Classification: Benign for Familial hypokalemia-hypomagnesemia. Last evaluated: 2018-03-06. Review status: criteria provided, single submitter. Criteria: ICSL Variant Classification Criteria 13 December 2019. Collection method: clinical testing. Allele origin: germline.
Comment: This variant was observed in the ICSL laboratory as part of a predisposition screen in an ostensibly healthy population. It had not been previously curated by ICSL or reported in the Human Gene Mutation Database (HGMD: prior to June 1st, 2018), and was therefore a candidate for classification through an automated scoring system. Utilizing variant allele frequency, disease prevalence and penetrance estimates, and inheritance mode, an automated score was calculated to assess if this variant is too frequent to cause the disease. Based on the score and internal cut-off values, a variant classified as benign is not then subjected to further curation. The score for this variant resulted in a classification of benign for this disease.

Athena Diagnostics
Classification: Benign for Familial hypokalemia-hypomagnesemia. Last evaluated: 2017-06-29. Review status: criteria provided, single submitter. Criteria: Athena Diagnostics Criteria. Collection method: clinical testing. Allele origin: germline.

Breakthrough Genomics
Classification: Benign. Review status: criteria provided, single submitter. Criteria: ACMG Guidelines, 2015. Collection method: not provided. Allele origin: germline. Inheritance: Autosomal recessive inheritance. Affected: yes.

PreventionGenetics, part of Exact Sciences
Classification: Benign. Review status: criteria provided, single submitter. Criteria: ACMG Guidelines, 2015. Collection method: clinical testing. Allele origin: germline.

Natera, Inc.
Classification: Benign for Gitelman syndrome. Last evaluated: 2020-09-16. Review status: no assertion criteria provided. Collection method: clinical testing. Allele origin: germline. Not counted in ClinVar's aggregate classification.

Genome Diagnostics Laboratory, University Medical Center Utrecht
Classification: Benign. Review status: no assertion criteria provided. Collection method: clinical testing. Allele origin: germline. Affected: yes. Study: VKGL Data-share Consensus. Not counted in ClinVar's aggregate classification.

Joint Genome Diagnostic Labs from Nijmegen and Maastricht, Radboudumc and MUMC+
Classification: Likely benign. Review status: no assertion criteria provided. Collection method: clinical testing. Allele origin: germline. Affected: yes. Study: VKGL Data-share Consensus. Not counted in ClinVar's aggregate classification.